The following is an entry in ClinVar:

ClinVar aggregate classification (germline): Conflicting classifications of pathogenicity. Review status: criteria provided, conflicting classifications (1 of 4 stars). 2 submissions from 2 submitters: Uncertain significance (1); Likely benign (1). Last evaluated 2024-07-15.

Conditions:
Landau-Kleffner syndrome (FESD). Also called: EPILEPSY, FOCAL, WITH SPEECH DISORDER AND WITH OR WITHOUT MENTAL RETARDATION; APHASIA, ACQUIRED, WITH EPILEPSY. Identifiers: Orphanet 1945, Orphanet 725, Orphanet 98818, MedGen C0282512, MONDO:0009509, OMIM 245570.

Allele frequency attached by ClinVar (database versions not stated): ExAC 0.00002; gnomAD 0.00004 and 0.00003; gnomAD exomes 0.00002; TOPMed 0.00003.
gnomAD v4.1: 31 of 1,614,064 alleles (0.0019%); highest among the groups gnomAD compares: Non-Finnish European, 0.0026%; no homozygotes.

Submissions (2):

Labcorp Genetics (formerly Invitae), Labcorp
Classification: Likely benign for Landau-Kleffner syndrome. Last evaluated: 2024-07-15. Review status: criteria provided, single submitter. Criteria: Invitae Variant Classification Sherloc (09022015). Collection method: clinical testing. Allele origin: germline.

GeneDx
Classification: Uncertain significance. Last evaluated: 2019-01-31. Review status: criteria provided, single submitter. Criteria: GeneDx Variant Classification Process June 2021. Collection method: clinical testing. Allele origin: germline. Affected: yes.
Comment: In silico analysis, which includes protein predictors and evolutionary conservation, supports that this variant does not alter protein structure/function; Has not been previously published as pathogenic or benign to our knowledge

NM_001134407.3(GRIN2A):c.222G>A (p.Met74Ile)

Gene: GRIN2A (glutamate ionotropic receptor NMDA type subunit 2A; minus strand). Cytogenetic location: 16p13.2.
Variant type: single nucleotide variant.
Coding change: c.222G>A on transcript NM_001134407.3 (MANE Select); coding-DNA position 222, G replaced by A.
Protein change: p.Met74Ile; replaces methionine 74 with isoleucine.
Molecular consequence: missense variant.
Genome position (GRCh38, 1-based): chr16:10,180,190, C>T on the plus strand (G>A on the coding strand, the complement: GRIN2A is on the minus strand). VCF-style: chr16-10180190-C-T. GRCh37 (hg19) VCF-style: chr16-10274047-C-T.
Other names: c.222G>A, p.Met74Ile (NM_000833.5, NM_001134408.2); short protein forms M74I.
Identifiers: ClinVar variation 1308615 (VCV001308615.5), dbSNP rs553783914, ClinGen allele CA7897021.
Genomic context (GRCh38, chr16:10,180,190, plus strand): 5'-GCGTGCCCCGGACATGAGGTCGCACACGTGCGTGATGAGGCTCTTGGGGTCGGTGCGGTT[C>T]ATCAGCAGAGCTACCACGTTCACGTCCAGGGGCAGCCCCGCCGCCTGCTCGGGGCCCCAC-3'
Protein context (NP_001127879.1, residues 64-84): PLDVNVVALL[Met74Ile]NRTDPKSLIT